The following is an entry in ClinVar:

NM_001267550.2(TTN):c.53976C>G (p.Gly17992=)

Genes: TTN-AS1 (TTN antisense RNA 1; plus strand), TTN (titin; minus strand). Cytogenetic location: 2q31.2.
Variant type: single nucleotide variant.
Coding change: c.53976C>G on transcript NM_001267550.2 (MANE Select); coding-DNA position 53976, C replaced by G.
Protein change: p.Gly17992=; no amino-acid change (glycine 17992 retained).
Molecular consequence: synonymous variant. On other transcripts: non-coding transcript variant (1).
Genome position (GRCh38, 1-based): chr2:178,605,201, G>C on the plus strand (C>G on the coding strand, the complement: TTN is on the minus strand). VCF-style: chr2-178605201-G-C. GRCh37 (hg19) VCF-style: chr2-179469928-G-C.
Other names: c.49053C>G, p.Gly16351= (NM_001256850.1); c.26781C>G, p.Gly8927= (NM_003319.4); c.46272C>G, p.Gly15424= (NM_133378.4); c.27156C>G, p.Gly9052= (NM_133432.3); c.27357C>G, p.Gly9119= (NM_133437.4).
Identifiers: ClinVar variation 467262 (VCV000467262.6), dbSNP rs1553682339, ClinGen allele CA430269840.

ClinVar aggregate classification (germline): Likely benign. Review status: criteria provided, multiple submitters, no conflicts (2 of 4 stars). 3 submissions from 3 submitters: Likely benign (3). Last evaluated 2019-12-31.

Conditions:
Cardiomyopathy (CMYO). Also called: Cardiomyopathies. Identifiers: Orphanet 167848, MedGen C0878544, MONDO:0004994, HP:0001638. Inheritance: Various modes of inheritance.
Autosomal recessive limb-girdle muscular dystrophy type 2J (LGMDR10). Also called: Limb-girdle muscular dystrophy, type 2J; MUSCULAR DYSTROPHY, LIMB-GIRDLE, AUTOSOMAL RECESSIVE 10. Identifiers: Orphanet 140922, MedGen C1837342, MONDO:0012127, OMIM 608807.
Dilated cardiomyopathy 1G (CMD1G). Identifiers: Orphanet 154, MedGen C1858763, MONDO:0011400, OMIM 604145.

Submissions (3):

Labcorp Genetics (formerly Invitae), Labcorp
Classification: Likely benign for Dilated cardiomyopathy 1G; Limb-girdle muscular dystrophy, type 2J. Last evaluated: 2019-12-31. Review status: criteria provided, single submitter. Criteria: Invitae Variant Classification Sherloc (09022015). Collection method: clinical testing. Allele origin: germline.

CHEO Genetics Diagnostic Laboratory, Children's Hospital of Eastern Ontario
Classification: Likely benign for Cardiomyopathy. Last evaluated: 2017-10-30. Review status: criteria provided, single submitter. Criteria: ACMG Guidelines, 2015. Collection method: clinical testing. Allele origin: germline. Study: Canadian Open Genetics Repository.

GeneDx
Classification: Likely benign. Last evaluated: 2017-10-10. Review status: criteria provided, single submitter. Criteria: GeneDx Variant Classification (06012015). Collection method: clinical testing. Allele origin: germline. Affected: yes.
Comment: This variant is considered likely benign or benign based on one or more of the following criteria: it is a conservative change, it occurs at a poorly conserved position in the protein, it is predicted to be benign by multiple in silico algorithms, and/or has population frequency not consistent with disease.